The following is an entry in ClinVar:

ClinVar aggregate classification (germline): Uncertain significance (1 of 4 stars; one submission).

Conditions:
Combined immunodeficiency due to STK4 deficiency (IMD110). Also called: STK4 DEFICIENCY; MST1 DEFICIENCY; T-cell immunodeficiency, recurrent infections, and autoimmunity with or without cardiac malformations. Identifiers: Orphanet 314689, MedGen C3553943, MONDO:0013934, OMIM 614868.

Allele frequency attached by ClinVar (database versions not stated): gnomAD exomes below 0.00001; ExAC 0.00001.
gnomAD v4.1: 2 of 1,613,750 alleles (0.00012%); highest among the groups gnomAD compares: African/African-American, 0.0013%; no homozygotes.

Submission:

Labcorp Genetics (formerly Invitae), Labcorp
Classification: Uncertain significance for T-cell immunodeficiency, recurrent infections, and autoimmunity with or without cardiac malformations. Last evaluated: 2019-01-09. Review status: criteria provided, single submitter. Criteria: Invitae Variant Classification Sherloc (09022015). Collection method: clinical testing. Allele origin: germline.
Comment: This sequence change replaces leucine with proline at codon 36 of the STK4 protein (p.Leu36Pro). The leucine residue is highly conserved and there is a moderate physicochemical difference between leucine and proline. This variant is present in population databases (rs780774353, ExAC 0.01%). This variant has not been reported in the literature in individuals with STK4-related conditions. Algorithms developed to predict the effect of missense changes on protein structure and function (SIFT, PolyPhen-2, Align-GVGD) all suggest that this variant is likely to be disruptive, but these predictions have not been confirmed by published functional studies and their clinical significance is uncertain. In summary, the available evidence is currently insufficient to determine the role of this variant in disease. Therefore, it has been classified as a Variant of Uncertain Significance.

NM_006282.5(STK4):c.107T>C (p.Leu36Pro)

Gene: STK4 (serine/threonine kinase 4; plus strand). Cytogenetic location: 20q13.12.
Variant type: single nucleotide variant.
Coding change: c.107T>C on transcript NM_006282.5 (MANE Select); coding-DNA position 107, T replaced by C.
Protein change: p.Leu36Pro; replaces leucine 36 with proline.
Molecular consequence: missense variant. On other transcripts: non-coding transcript variant (2).
Genome position (GRCh38, 1-based): chr20:44,972,149, T>C. VCF-style: chr20-44972149-T-C. GRCh37 (hg19) VCF-style: chr20-43600790-T-C.
Other names: c.107T>C, p.Leu36Pro (NM_001352385.2); short protein forms L36P.
Identifiers: ClinVar variation 844161 (VCV000844161.1), dbSNP rs780774353, ClinGen allele CA9873717.